The following is an entry in ClinVar:

ClinVar aggregate classification (germline): Likely benign. Review status: criteria provided, multiple submitters, no conflicts (2 of 4 stars). 2 submissions from 2 submitters: Likely benign (2). Last evaluated 2025-03-13.

Allele frequency attached by ClinVar (database versions not stated): gnomAD 0.00001; gnomAD exomes 0.00001; ExAC 0.00002; TOPMed 0.00004.
gnomAD v4.1: 8 of 1,611,078 alleles (0.0005%); highest among the groups gnomAD compares: Admixed American, 0.0083%; no homozygotes.

Submissions (2):

Labcorp Genetics (formerly Invitae), Labcorp
Classification: Likely benign. Last evaluated: 2025-03-13. Review status: criteria provided, single submitter. Criteria: Invitae Variant Classification Sherloc (09022015). Collection method: clinical testing. Allele origin: germline.

Women's Health and Genetics/Laboratory Corporation of America, LabCorp
Classification: Likely benign. Last evaluated: 2023-08-14. Review status: criteria provided, single submitter. Criteria: LabCorp Variant Classification Summary - May 2015. Collection method: clinical testing. Allele origin: germline.
Comment: Variant summary: COL4A3 c.688-11T>C alters a non-conserved nucleotide located at a position not widely known to affect splicing. 4/4 computational tools predict no significant impact on normal splicing. However, these predictions have yet to be confirmed by functional studies. The variant allele was found at a frequency of 1.6e-05 in 249436 control chromosomes (gnomAD). The available data on variant occurrences in the general population are insufficient to allow any conclusion about variant significance. To our knowledge, no occurrence of c.688-11T>C in individuals affected with Alport Syndrome, Autosomal Recessive and no experimental evidence demonstrating its impact on protein function have been reported. One submitter has cited a clinical-significance assessment for this variant to ClinVar after 2014 and has classified the variant as likely benign. Based on the evidence outlined above, the variant was classified as likely benign.

NM_000091.5(COL4A3):c.688-11T>C

Genes: COL4A3 (collagen type IV alpha 3 chain; plus strand), MFF-DT (MFF divergent transcript; minus strand). Cytogenetic location: 2q36.3.
Variant type: single nucleotide variant.
Coding change: c.688-11T>C on transcript NM_000091.5 (MANE Select); 11 bases into the intron before coding-DNA position 688, T replaced by C.
Molecular consequence: intron variant.
Genome position (GRCh38, 1-based): chr2:227,253,550, T>C. VCF-style: chr2-227253550-T-C. GRCh37 (hg19) VCF-style: chr2-228118266-T-C.
Other names: c.688-11T>C (NM_000091.4).
Identifiers: ClinVar variation 2166870 (VCV002166870.5), dbSNP rs780700044, ClinGen allele CA2146317.